The following is an entry in ClinVar:

ClinVar aggregate classification (germline): Uncertain significance. Review status: criteria provided, multiple submitters, no conflicts (2 of 4 stars). 2 submissions from 2 submitters: Uncertain significance (2). Last evaluated 2025-10-27.

Conditions:
Inborn genetic diseases. Identifiers: MedGen C0950123, MeSH D030342.
Nance-Horan syndrome (NHS). Identifiers: Orphanet 627, MedGen C0796085, MONDO:0010545, OMIM 302350.

Allele frequency attached by ClinVar (database versions not stated): ExAC 0.00001; gnomAD exomes 0.00002; gnomAD 0.00010; 1000 Genomes Project 30x 0.00021; TOPMed 0.00025; 1000 Genomes Project 0.00026.
gnomAD v4.1: 35 of 1,209,490 alleles (0.0029%); highest among the groups gnomAD compares: Admixed American, 0.026%; no homozygotes.

Submissions (2):

Labcorp Genetics (formerly Invitae), Labcorp
Classification: Uncertain significance for Nance-Horan syndrome. Last evaluated: 2025-10-27. Review status: criteria provided, single submitter. Criteria: Invitae Variant Classification Sherloc (09022015). Collection method: clinical testing. Allele origin: germline.
Comment: This sequence change replaces proline, which is neutral and non-polar, with leucine, which is neutral and non-polar, at codon 301 of the NHS protein (p.Pro301Leu). This variant is present in population databases (rs200313691, gnomAD 0.001%), including at least one homozygous and/or hemizygous individual. This variant has not been reported in the literature in individuals affected with NHS-related conditions. ClinVar contains an entry for this variant (Variation ID: 1765530). Invitae Evidence Modeling of protein sequence and biophysical properties (such as structural, functional, and spatial information, amino acid conservation, physicochemical variation, residue mobility, and thermodynamic stability) indicates that this missense variant is expected to disrupt NHS protein function with a positive predictive value of 80%. In summary, the available evidence is currently insufficient to determine the role of this variant in disease. Therefore, it has been classified as a Variant of Uncertain Significance.

Ambry Genetics
Classification: Uncertain significance for Inborn genetic diseases. Last evaluated: 2018-01-09. Review status: criteria provided, single submitter. Criteria: Ambry Variant Classification Scheme 2023. Collection method: clinical testing. Allele origin: germline.
Comment: The p.P301L variant (also known as c.902C>T), located in coding exon 4 of the NHS gene, results from a C to T substitution at nucleotide position 902. The proline at codon 301 is replaced by leucine, an amino acid with similar properties. This amino acid position is highly conserved through mammals but not in all available vertebrate species. In addition, the in silico prediction for this alteration is inconclusive. Since supporting evidence is limited at this time, the clinical significance of this alteration remains unclear.

NM_001291867.2(NHS):c.965C>T (p.Pro322Leu)

Gene: NHS (NHS actin remodeling regulator; plus strand). Cytogenetic location: Xp22.13.
Variant type: single nucleotide variant.
Coding change: c.965C>T on transcript NM_001291867.2 (MANE Select); coding-DNA position 965, C replaced by T.
Protein change: p.Pro322Leu; replaces proline 322 with leucine.
Molecular consequence: missense variant.
Genome position (GRCh38, 1-based): chrX:17,721,490, C>T. VCF-style: chrX-17721490-C-T. GRCh37 (hg19) VCF-style: chrX-17739610-C-T.
Other names: c.434C>T, p.Pro145Leu (NM_001136024.4); c.371C>T, p.Pro124Leu (NM_001291868.2); c.902C>T, p.Pro301Leu (NM_198270.4); short protein forms P124L, P145L, P322L, P301L.
Identifiers: ClinVar variation 1765530 (VCV001765530.7), dbSNP rs200313691, ClinGen allele CA10358561.